The following is an entry in ClinVar:

ClinVar aggregate classification (germline): Uncertain significance (1 of 4 stars; one submission).

Conditions:
Episodic ataxia type 2 (EA2). Also called: ACETAZOLAMIDE-RESPONSIVE HEREDITARY PAROXYSMAL CEREBELLAR ATAXIA; CEREBELLAR ATAXIA, PAROXYSMAL, ACETAZOLAMIDE-RESPONSIVE; CEREBELLOPATHY, HEREDITARY PAROXYSMAL; EPISODIC ATAXIA, NYSTAGMUS-ASSOCIATED; ATAXIA, EPISODIC, WITH NYSTAGMUS; ATAXIA, FAMILIAL PAROXYSMAL. Identifiers: Orphanet 97, MedGen C1720416, MONDO:0007163, OMIM 108500.
Developmental and epileptic encephalopathy, 42 (DEE42A). Also called: DEVELOPMENTAL AND EPILEPTIC ENCEPHALOPATHY 42A; EPILEPTIC ENCEPHALOPATHY, EARLY INFANTILE, 42A; Epileptic encephalopathy, early infantile, 42. Identifiers: MedGen C4310716, MONDO:0014917, OMIM 617106.

Submission:

Labcorp Genetics (formerly Invitae), Labcorp
Classification: Uncertain significance for Developmental and epileptic encephalopathy, 42; Episodic ataxia type 2. Last evaluated: 2024-02-15. Review status: criteria provided, single submitter. Criteria: Invitae Variant Classification Sherloc (09022015). Collection method: clinical testing. Allele origin: germline.
Comment: This variant, c.235_237del, results in the deletion of 1 amino acid(s) of the CACNA1A protein (p.Phe79del), but otherwise preserves the integrity of the reading frame. This variant is not present in population databases (gnomAD no frequency). This variant has not been reported in the literature in individuals affected with CACNA1A-related conditions. ClinVar contains an entry for this variant (Variation ID: 571404). Experimental studies and prediction algorithms are not available or were not evaluated, and the functional significance of this variant is currently unknown. This variant disrupts a region of the CACNA1A protein in which other variant(s) (p.Phe79) have been observed in individuals with CACNA1A-related conditions (Invitae). This suggests that this is a clinically significant region of the protein, and that variants that disrupt it are likely to be disease-causing. In summary, the available evidence is currently insufficient to determine the role of this variant in disease. Therefore, it has been classified as a Variant of Uncertain Significance.

NM_001127222.2(CACNA1A):c.235_237del (p.Phe79del)

Gene: CACNA1A (calcium voltage-gated channel subunit alpha1 A; minus strand). Cytogenetic location: 19p13.13.
Variant type: Deletion.
Coding change: c.235_237del on transcript NM_001127222.2 (MANE Select); coding-DNA positions 235 to 237, 3 bases deleted (TTC; older notation c.235_237delTTC).
Protein change: p.Phe79del; deletes phenylalanine 79.
Molecular consequence: inframe deletion.
Genome position (GRCh38, 1-based): chr19:13,505,988-13,505,990, GAA deleted on the plus strand (TTC on the coding strand, the reverse complement: CACNA1A is on the minus strand); deleting any 3 consecutive bases within chr19:13,505,988-13,505,992 gives the same sequence; the c. name uses the placement nearest the transcript's 3' end. VCF-style (leftmost placement, unchanged base first): chr19-13505987-GGAA-G. GRCh37 (hg19) VCF-style: chr19-13616801-GGAA-G.
Other names: c.235_237del, p.Phe79del (NM_000068.4, NM_001127221.2, NM_001174080.2 and 1 more transcripts); c.235_237delTTC (NM_001127221.1); short protein forms F79del.
Identifiers: ClinVar variation 571404 (VCV000571404.9), dbSNP rs1568719711, ClinGen allele CA891844551.